The following is an entry in ClinVar:

NM_201384.3(PLEC):c.12720C>T (p.Ala4240=)

Gene: PLEC (plectin; minus strand). Cytogenetic location: 8q24.3.
Variant type: single nucleotide variant.
Coding change: c.12720C>T on transcript NM_201384.3 (MANE Select); coding-DNA position 12720, C replaced by T.
Protein change: p.Ala4240=; no amino-acid change (alanine 4240 retained).
Molecular consequence: synonymous variant.
Genome position (GRCh38, 1-based): chr8:143,917,101, G>A on the plus strand (C>T on the coding strand, the complement: PLEC is on the minus strand). VCF-style: chr8-143917101-G-A. GRCh37 (hg19) VCF-style: chr8-144991269-G-A.
Other names: c.12801C>T, p.Ala4267= (NM_000445.5); c.12678C>T, p.Ala4226= (NM_201378.4); c.12654C>T, p.Ala4218= (NM_201379.3); c.13131C>T, p.Ala4377= (NM_201380.4); c.12624C>T, p.Ala4208= (NM_201381.3); c.12720C>T, p.Ala4240= (NM_201382.4); c.12732C>T, p.Ala4244= (NM_201383.3).
Identifiers: ClinVar variation 509811 (VCV000509811.28), dbSNP rs377625103, ClinGen allele CA4923999.

ClinVar aggregate classification (germline): Likely benign. Review status: criteria provided, multiple submitters, no conflicts (2 of 4 stars). 5 submissions from 5 submitters: Likely benign (4). 1 of the submissions does not count toward it. Last evaluated 2025-11-22.

Conditions:
PLEC-related disorder. Also called: PLEC-related disorders; PLEC-related condition.
Epidermolysis bullosa simplex 5C, with pyloric atresia (EBS5C). Also called: PLEC-Related Epidermolysis Bullosa with Pyloric Atresia; Epidermolysis bullosa simplex with pyloric atresia; PLEC1-Related Epidermolysis Bullosa with Pyloric Atresia. Identifiers: Orphanet 158684, MedGen C2677349, MONDO:0012807, OMIM 612138.
Epidermolysis bullosa simplex, Ogna type (EBS5A). Also called: Pidermolysis bullosa simplex 5A, Ogna type; EPIDERMOLYSIS BULLOSA SIMPLEX 5A, OGNA TYPE. Identifiers: Orphanet 79401, MedGen C0432317, MONDO:0007555, OMIM 131950.
Autosomal recessive limb-girdle muscular dystrophy type 2Q (LGMDR17). Also called: MUSCULAR DYSTROPHY, LIMB-GIRDLE, AUTOSOMAL RECESSIVE 17. Identifiers: Orphanet 254361, MedGen C3150989, MONDO:0013390, OMIM 613723.
Epidermolysis bullosa simplex with nail dystrophy (EBS5D). Identifiers: MedGen C4225309, MONDO:0014661, OMIM 616487.
Epidermolysis bullosa simplex 5B, with muscular dystrophy (EBS5B). Also called: Epidermolysis bullosa simplex with muscular dystrophy; EPIDERMOLYSIS BULLOSA SIMPLEX AND LIMB-GIRDLE MUSCULAR DYSTROPHY. Identifiers: Orphanet 257, MedGen C2931072, MONDO:0009181, OMIM 226670.

Allele frequency attached by ClinVar (database versions not stated): TOPMed 0.00006; ExAC 0.00007; ESP Exome Variant Server 0.00008; gnomAD exomes 0.00008 and 0.00010; gnomAD 0.00009 and 0.00011.
gnomAD v4.1: 159 of 1,605,476 alleles (0.0099%); highest among the groups gnomAD compares: Middle Eastern, 0.033%; 1 homozygote.

Submissions (5):

Labcorp Genetics (formerly Invitae), Labcorp
Classification: Likely benign for Autosomal recessive limb-girdle muscular dystrophy type 2Q; Epidermolysis bullosa simplex, Ogna type; Epidermolysis bullosa simplex with nail dystrophy; Epidermolysis bullosa simplex 5C, with pyloric atresia; Epidermolysis bullosa simplex 5B, with muscular dystrophy. Last evaluated: 2025-11-22. Review status: criteria provided, single submitter. Criteria: Invitae Variant Classification Sherloc (09022015). Collection method: clinical testing. Allele origin: germline.

CeGaT Center for Human Genetics Tuebingen
Classification: Likely benign. Last evaluated: 2025-03-01. Review status: criteria provided, single submitter. Criteria: CeGaT Center For Human Genetics Tuebingen Variant Classification Criteria Version 2. Collection method: clinical testing. Allele origin: germline. Affected: yes. Observed: 2 variant alleles.
Comment: PLEC: BP4, BP7

Blueprint Genetics
Classification: Likely benign. Last evaluated: 2023-05-12. Review status: criteria provided, single submitter. Criteria: ACMG Guidelines, 2015. Collection method: clinical testing. Allele origin: germline.

GeneDx
Classification: Likely benign. Last evaluated: 2017-05-31. Review status: criteria provided, single submitter. Criteria: GeneDx Variant Classification (06012015). Collection method: clinical testing. Allele origin: germline. Affected: yes.
Comment: This variant is considered likely benign or benign based on one or more of the following criteria: it is a conservative change, it occurs at a poorly conserved position in the protein, it is predicted to be benign by multiple in silico algorithms, and/or has population frequency not consistent with disease.

PreventionGenetics, part of Exact Sciences
Classification: Likely benign for PLEC-related condition. Last evaluated: 2020-02-03. Review status: no assertion criteria provided. Collection method: clinical testing. Allele origin: germline. Not counted in ClinVar's aggregate classification.
Comment: This variant is classified as likely benign based on ACMG/AMP sequence variant interpretation guidelines (Richards et al. 2015 PMID: 25741868, with internal and published modifications).